The following is an entry in ClinVar:

NC_000001.11:g.150556947_150556948insTTTTTTTTTTTTTTTTTTTTNNNNNNNNNNCCTTCCTTCCTTCCTTCCTTCCTTCCTTCCTTCCTCCCTCCCTCCTCCCTTCCCTTCCCCTCCCCTCCCCTCCTCCCCAGATGATCTTT

Genes: ADAMTSL4 (ADAMTS like 4; plus strand), ADAMTSL4-AS2 (ADAMTSL4 antisense RNA 2; minus strand). Cytogenetic location: 1q21.2.
Variant type: Insertion.
Genome position: GRCh38: chr1:150,556,947-150,556,948. GRCh37 (hg19): chr1:150,529,423-150,529,424.
Identifiers: ClinVar variation 3640378 (VCV003640378.2).

ClinVar aggregate classification (germline): Pathogenic (1 of 4 stars; one submission).

Submission:

Labcorp Genetics (formerly Invitae), Labcorp
Classification: Pathogenic. Last evaluated: 2024-02-12. Review status: criteria provided, single submitter. Criteria: Invitae Variant Classification Sherloc (09022015). Collection method: clinical testing. Allele origin: germline.
Comment: This sequence change inserts a large fragment of DNA, likely a transposable element, in exon 11 of the ADAMTSL4 gene (c.1758_1759ins?), causing a frameshift at codon 586 (p.Phe586fs). The exact size and sequence of the insertion cannot be determined by the current assay. However, the insertion is expected to result in an absent or disrupted protein product. This variant is not present in population databases (gnomAD no frequency). This variant has not been reported in the literature in individuals affected with ADAMTSL4-related conditions. Retrotransposon insertions including LINE1 (L1), Alu, and SVA (SINE-VNTR-Alu) have been reported to be disease-causing through disruption of either a coding region or splice site (PMID: 19763152, 20307669, 22406018) and loss-of-function variants in ADAMTSL4 are known to be pathogenic (PMID: 20564469, 28642162). For these reasons, this variant has been classified as Pathogenic.

Literature cited by the submitters: PubMed 19763152; PubMed 20307669; PubMed 22406018; PubMed 20564469; PubMed 28642162.